The following is an entry in ClinVar:

ClinVar aggregate classification (germline): Uncertain significance (1 of 4 stars; one submission).

Allele frequency attached by ClinVar (database versions not stated): gnomAD 0.00003; gnomAD exomes 0.00002; ExAC 0.00008; TOPMed 0.00003.
gnomAD v4.1: 33 of 1,613,968 alleles (0.002%); highest among the groups gnomAD compares: Admixed American, 0.0033%; no homozygotes.

Submission:

Labcorp Genetics (formerly Invitae), Labcorp
Classification: Uncertain significance. Last evaluated: 2022-02-09. Review status: criteria provided, single submitter. Criteria: Invitae Variant Classification Sherloc (09022015). Collection method: clinical testing. Allele origin: germline.
Comment: In summary, the available evidence is currently insufficient to determine the role of this variant in disease. Therefore, it has been classified as a Variant of Uncertain Significance. Algorithms developed to predict the effect of missense changes on protein structure and function (SIFT, PolyPhen-2, Align-GVGD) all suggest that this variant is likely to be tolerated. This variant has not been reported in the literature in individuals affected with MACF1-related conditions. This variant is present in population databases (rs687895, gnomAD 0.02%). This sequence change replaces glutamic acid, which is acidic and polar, with lysine, which is basic and polar, at codon 3040 of the MACF1 protein (p.Glu3040Lys).

NM_001394062.1(MACF1):c.15304G>A (p.Glu5102Lys)

Gene: MACF1 (microtubule actin crosslinking factor 1; plus strand). Cytogenetic location: 1p34.3.
Variant type: single nucleotide variant.
Coding change: c.15304G>A on transcript NM_001394062.1 (MANE Select); coding-DNA position 15304, G replaced by A.
Protein change: p.Glu5102Lys; replaces glutamic acid 5102 with lysine.
Molecular consequence: missense variant.
Genome position (GRCh38, 1-based): chr1:39,388,146, G>A. VCF-style: chr1-39388146-G-A. GRCh37 (hg19) VCF-style: chr1-39853818-G-A.
Other names: c.9118G>A, p.Glu3040Lys (NM_012090.5); short protein forms E3040K, E5102K.
Identifiers: ClinVar variation 2070349 (VCV002070349.4), dbSNP rs687895, ClinGen allele CA782378.